The following is an entry in ClinVar:

NM_000350.3(ABCA4):c.6377C>T (p.Thr2126Ile)

Gene: ABCA4 (ATP binding cassette subfamily A member 4; minus strand). Cytogenetic location: 1p22.1.
Variant type: single nucleotide variant.
Coding change: c.6377C>T on transcript NM_000350.3 (MANE Select); coding-DNA position 6377, C replaced by T.
Protein change: p.Thr2126Ile; replaces threonine 2126 with isoleucine.
Molecular consequence: missense variant.
Genome position (GRCh38, 1-based): chr1:94,001,011, G>A on the plus strand (C>T on the coding strand, the complement: ABCA4 is on the minus strand). VCF-style: chr1-94001011-G-A. GRCh37 (hg19) VCF-style: chr1-94466567-G-A.
Other names: c.6155C>T, p.Thr2052Ile (NM_001425324.1); short protein forms T2126I, T2052I.
Identifiers: ClinVar variation 1367525 (VCV001367525.8), dbSNP rs2100993899, ClinGen allele CA341277446.

ClinVar aggregate classification (germline): Uncertain significance (1 of 4 stars; one submission).

Submission:

Labcorp Genetics (formerly Invitae), Labcorp
Classification: Uncertain significance. Last evaluated: 2021-07-14. Review status: criteria provided, single submitter. Criteria: Invitae Variant Classification Sherloc (09022015). Collection method: clinical testing. Allele origin: germline.
Comment: This variant has not been reported in the literature in individuals affected with ABCA4-related conditions. Advanced modeling of protein sequence and biophysical properties (such as structural, functional, and spatial information, amino acid conservation, physicochemical variation, residue mobility, and thermodynamic stability) performed at Invitae indicates that this missense variant is expected to disrupt ABCA4 protein function. In summary, the available evidence is currently insufficient to determine the role of this variant in disease. Therefore, it has been classified as a Variant of Uncertain Significance. This variant is not present in population databases (ExAC no frequency). This sequence change replaces threonine with isoleucine at codon 2126 of the ABCA4 protein (p.Thr2126Ile). The threonine residue is highly conserved and there is a moderate physicochemical difference between threonine and isoleucine.